The following is an entry in ClinVar:

NM_004484.4(GPC3):c.1413+3A>G

Gene: GPC3 (glypican 3; minus strand). Cytogenetic location: Xq26.2.
Variant type: single nucleotide variant.
Coding change: c.1413+3A>G on transcript NM_004484.4 (MANE Select); 3 bases into the intron after coding-DNA position 1413, A replaced by G.
Molecular consequence: intron variant.
Genome position (GRCh38, 1-based): chrX:133,661,727, T>C on the plus strand (A>G on the coding strand, the complement: GPC3 is on the minus strand). VCF-style: chrX-133661727-T-C. GRCh37 (hg19) VCF-style: chrX-132795755-T-C.
Other names: c.1251+3A>G (NM_001164619.2); c.1365+3A>G (NM_001164618.2); c.1482+3A>G (NM_001164617.2).
Identifiers: ClinVar variation 1056832 (VCV001056832.7), dbSNP rs2124401746, ClinGen allele CA2499226368.

ClinVar aggregate classification (germline): Uncertain significance (1 of 4 stars; one submission).

Conditions:
Wilms tumor 1 (WT1). Also called: Wilms tumor, somatic. Identifiers: Orphanet 654, MedGen CN033288, MONDO:0008679, OMIM 194070.

Submission:

Labcorp Genetics (formerly Invitae), Labcorp
Classification: Uncertain significance for Wilms tumor 1. Last evaluated: 2020-07-09. Review status: criteria provided, single submitter. Criteria: Invitae Variant Classification Sherloc (09022015). Collection method: clinical testing. Allele origin: germline.
Comment: This sequence change falls in intron 6 of the GPC3 gene. It does not directly change the encoded amino acid sequence of the GPC3 protein, but it affects a nucleotide within the consensus splice site of the intron. This variant is not present in population databases (ExAC no frequency). This variant has not been reported in the literature in individuals with GPC3-related conditions. Nucleotide substitutions within the consensus splice site are a relatively common cause of aberrant splicing (PMID: 17576681, 9536098). Algorithms developed to predict the effect of sequence changes on RNA splicing suggest that this variant may disrupt the consensus splice site, but this prediction has not been confirmed by published transcriptional studies. In summary, the available evidence is currently insufficient to determine the role of this variant in disease. Therefore, it has been classified as a Variant of Uncertain Significance.

Literature cited by the submitters: PubMed 17576681; PubMed 9536098.